The following is an entry in ClinVar:

ClinVar aggregate classification (germline): Uncertain significance (1 of 4 stars; one submission).

Conditions:
POLD1-related polyposis and colorectal cancer syndrome (CRCS10). Also called: Colorectal cancer, susceptibility to, 10; Colorectal cancer 10; COLORECTAL CANCER, SUSCEPTIBILITY TO, ON CHROMOSOME 19q. Identifiers: Orphanet 220460, MedGen C2675481, MONDO:0012953, OMIM 612591.

Submission:

Labcorp Genetics (formerly Invitae), Labcorp
Classification: Uncertain significance for POLD1-related polyposis and colorectal cancer syndrome. Last evaluated: 2020-10-04. Review status: criteria provided, single submitter. Criteria: Invitae Variant Classification Sherloc (09022015). Collection method: clinical testing. Allele origin: germline.
Comment: This sequence change replaces glutamic acid with glycine at codon 47 of the POLD1 protein (p.Glu47Gly). The glutamic acid residue is weakly conserved and there is a moderate physicochemical difference between glutamic acid and glycine. This variant is not present in population databases (ExAC no frequency). This variant has not been reported in the literature in individuals with POLD1-related conditions. Algorithms developed to predict the effect of missense changes on protein structure and function are either unavailable or do not agree on the potential impact of this missense change (SIFT: "Tolerated"; PolyPhen-2: "Probably Damaging"; Align-GVGD: "Class C0"). In summary, the available evidence is currently insufficient to determine the role of this variant in disease. Therefore, it has been classified as a Variant of Uncertain Significance.

NM_002691.4(POLD1):c.140A>G (p.Glu47Gly)

Gene: POLD1 (DNA polymerase delta 1, catalytic subunit; plus strand). Cytogenetic location: 19q13.33.
Variant type: single nucleotide variant.
Coding change: c.140A>G on transcript NM_002691.4 (MANE Select); coding-DNA position 140, A replaced by G.
Protein change: p.Glu47Gly; replaces glutamic acid 47 with glycine.
Molecular consequence: missense variant. On other transcripts: non-coding transcript variant (1).
Genome position (GRCh38, 1-based): chr19:50,398,991, A>G. VCF-style: chr19-50398991-A-G. GRCh37 (hg19) VCF-style: chr19-50902248-A-G.
Other names: c.140A>G, p.Glu47Gly (NM_001256849.1, NM_001308632.1); short protein forms E47G.
Identifiers: ClinVar variation 1063216 (VCV001063216.9), dbSNP rs2122196611, ClinGen allele CA406970231.
Genomic context (GRCh38, chr19:50,398,991, plus strand): 5'-ATGCACCTCGGCCATCCCAATTCGAGGAGGACCTGGCACTGATGGAGGAGATGGAGGCAG[A>G]ACACAGGCTGCAGGAGCAGGAGGAGGAGGAGCTGCAGTCAGTCCTGGAGGGGGTTGCAGA-3'
Protein context (NP_002682.2, residues 37-57): DLALMEEMEA[Glu47Gly]HRLQEQEEEE